The following is an entry in ClinVar:

NM_000138.5(FBN1):c.2768dup (p.Asn923fs)

Gene: FBN1 (fibrillin 1; minus strand). Cytogenetic location: 15q21.1.
Variant type: Duplication.
Coding change: c.2768dup on transcript NM_000138.5 (MANE Select); coding-DNA position 2768, one base duplicated (A; older notation c.2768dupA).
Protein change: p.Asn923fs; shifts the reading frame from asparagine 923.
Molecular consequence: frameshift variant.
Genome position (GRCh38, 1-based): chr15:48,492,547, T duplicated on the plus strand (A on the coding strand, the reverse complement: FBN1 is on the minus strand); the first of 5 consecutive T bases (chr15:48,492,547-48,492,551); duplicating any one gives the same sequence. VCF-style (leftmost placement, unchanged base first): chr15-48492546-A-AT. GRCh37 (hg19) VCF-style: chr15-48784743-A-AT.
Other names: short protein forms N923fs.
Identifiers: ClinVar variation 817238 (VCV000817238.2), dbSNP rs1597567246, ClinGen allele CA915946586.

ClinVar aggregate classification (germline): Pathogenic. Review status: criteria provided, multiple submitters, no conflicts (2 of 4 stars). 2 submissions from 2 submitters: Pathogenic (2). Last evaluated 2022-12-13.

Conditions:
FBN1-related disorder. Also called: FBN1-related disorders.

Submissions (2):

PreventionGenetics, part of Exact Sciences
Classification: Pathogenic for FBN1-related condition. Last evaluated: 2022-12-13. Review status: criteria provided, single submitter. Criteria: ACMG Guidelines, 2015. Collection method: clinical testing. Allele origin: germline.
Comment: The FBN1 c.2768dupA variant is predicted to result in a frameshift and premature protein termination (p.Asn923Lysfs*6). To our knowledge, this variant has not been reported in the literature or in a large population database, indicating this variant is rare. Frameshift variants in FBN1 are expected to be pathogenic. This variant is interpreted as pathogenic.

GeneDx
Classification: Pathogenic. Last evaluated: 2018-09-26. Review status: criteria provided, single submitter. Criteria: GeneDx Variant Classification (06012015). Collection method: clinical testing. Allele origin: germline. Affected: yes.
Comment: Although the c.2768dupA pathogenic variant in the FBN1 gene has not been reported to our knowledge, this variant causes a shift in reading frame starting at codon Asparagine 923, changing it to a Lysine, and creating a premature stop codon at position 6 of the new reading frame, denoted p.Asn923LysfsX6. This pathogenic variant is expected to result in either an abnormal, truncated protein product or loss of protein from this allele through nonsense-mediated mRNA decay. Other frameshift variants in the FBN1 gene have been reported in Human Gene Mutation Database in association with Marfan syndrome (Stenson et al., 2014), indicating that loss of function is a mechanism of disease for this gene. Furthermore, the c.2768dupA variant has not been observed in large population cohorts (Lek et al., 2016).In summary, c.2768dupA in the FBN1 gene is interpreted as a pathogenic variant.